The following is an entry in ClinVar:

ClinVar aggregate classification (germline): Benign (1 of 4 stars; one submission).

Allele frequency attached by ClinVar (database versions not stated): 1000 Genomes Project 0.00100; 1000 Genomes Project 30x 0.00109; gnomAD 0.00377; TOPMed 0.00381.
gnomAD v4.1: 585 of 152,286 alleles (0.38%); highest among the groups gnomAD compares: Non-Finnish European, 0.63%; 1 homozygote.

Submission:

CeGaT Center for Human Genetics Tuebingen
Classification: Benign. Last evaluated: 2022-04-01. Review status: criteria provided, single submitter. Criteria: CeGaT Center For Human Genetics Tuebingen Variant Classification Criteria Version 2. Collection method: clinical testing. Allele origin: germline. Affected: yes. Observed: 1 variant allele.
Comment: KCNN4: BS1, BS2

NM_002250.3(KCNN4):c.683+333G>C

Gene: KCNN4 (potassium calcium-activated channel subfamily N member 4; minus strand). Cytogenetic location: 19q13.31.
Variant type: single nucleotide variant.
Coding change: c.683+333G>C on transcript NM_002250.3 (MANE Select); 333 bases into the intron after coding-DNA position 683, G replaced by C.
Molecular consequence: intron variant.
Genome position (GRCh38, 1-based): chr19:43,773,859, C>G on the plus strand (G>C on the coding strand, the complement: KCNN4 is on the minus strand). VCF-style: chr19-43773859-C-G. GRCh37 (hg19) VCF-style: chr19-44278011-C-G.
Identifiers: ClinVar variation 2650071 (VCV002650071.24), dbSNP rs148552712, ClinGen allele CA308793866.